The following is an entry in ClinVar:

ClinVar aggregate classification (germline): Uncertain significance. Review status: criteria provided, multiple submitters, no conflicts (2 of 4 stars). 2 submissions from 2 submitters: Uncertain significance (2). Last evaluated 2026-06-09.

Conditions:
Hereditary cancer-predisposing syndrome. Also called: Hereditary neoplastic syndrome; Tumor predisposition; Hereditary Cancer Syndrome; Neoplastic Syndromes, Hereditary. Identifiers: Orphanet 140162, MedGen C0027672, MeSH D009386, MONDO:0015356.
Ataxia-telangiectasia syndrome (AT). Also called: LOUIS-BAR SYNDROME; Cerebello-oculocutaneous telangiectasia; Immunodeficiency with ataxia telangiectasia; Ataxia-telangiectasia, complementation group D; AT, COMPLEMENTATION GROUP C; ATAXIA-TELANGIECTASIA, COMPLEMENTATION GROUP A. Identifiers: Orphanet 100, MedGen C0004135, MONDO:0008840, OMIM 208900.

Submissions (2):

Ambry Genetics
Classification: Uncertain significance for Hereditary cancer-predisposing syndrome. Last evaluated: 2026-06-09. Review status: criteria provided, single submitter. Criteria: Ambry Variant Classification Scheme 2023. Collection method: clinical testing. Allele origin: germline.
Comment: The p.V1193F variant (also known as c.3577G>T) is located in coding exon 24 of the ATM gene. The valine at codon 1193 is replaced by phenylalanine, an amino acid with highly similar properties. This change occurs in the first base pair of coding exon 24. This amino acid position is highly conserved in available vertebrate species. In addition, this alteration is predicted to be deleterious by in silico analysis. Based on the available evidence, the clinical significance of this variant remains unclear.

Labcorp Genetics (formerly Invitae), Labcorp
Classification: Uncertain significance for Ataxia-telangiectasia syndrome. Last evaluated: 2024-02-14. Review status: criteria provided, single submitter. Criteria: Invitae Variant Classification Sherloc (09022015). Collection method: clinical testing. Allele origin: germline.
Comment: This sequence change replaces valine, which is neutral and non-polar, with phenylalanine, which is neutral and non-polar, at codon 1193 of the ATM protein (p.Val1193Phe). This variant is not present in population databases (gnomAD no frequency). This variant has not been reported in the literature in individuals affected with ATM-related conditions. An algorithm developed to predict the effect of missense changes on protein structure and function (PolyPhen-2) suggests that this variant is likely to be disruptive. In summary, the available evidence is currently insufficient to determine the role of this variant in disease. Therefore, it has been classified as a Variant of Uncertain Significance.

NM_000051.4(ATM):c.3577G>T (p.Val1193Phe)

Gene: ATM (ATM serine/threonine kinase; plus strand). Cytogenetic location: 11q22.3.
Variant type: single nucleotide variant.
Coding change: c.3577G>T on transcript NM_000051.4 (MANE Select); coding-DNA position 3577, G replaced by T.
Protein change: p.Val1193Phe; replaces valine 1193 with phenylalanine.
Molecular consequence: missense variant.
Genome position (GRCh38, 1-based): chr11:108,282,710, G>T. VCF-style: chr11-108282710-G-T. GRCh37 (hg19) VCF-style: chr11-108153437-G-T.
Other names: c.3577G>T, p.Val1193Phe (NM_001351834.2); short protein forms V1193F.
Identifiers: ClinVar variation 3678321 (VCV003678321.3).